The following is an entry in ClinVar:

ClinVar aggregate classification (germline): Uncertain significance. Review status: criteria provided, multiple submitters, no conflicts (2 of 4 stars). 2 submissions from 2 submitters: Uncertain significance (2). Last evaluated 2025-04-20.

Conditions:
Inborn genetic diseases. Identifiers: MedGen C0950123, MeSH D030342.

Allele frequency attached by ClinVar (database versions not stated): gnomAD exomes 0.00002 and 0.00001; TOPMed 0.00002; ESP Exome Variant Server 0.00008; ExAC 0.00002; gnomAD 0.00002.
gnomAD v4.1: 8 of 1,613,778 alleles (0.0005%); highest among the groups gnomAD compares: Admixed American, 0.0083%; no homozygotes.

Submissions (2):

Ambry Genetics
Classification: Uncertain significance for Inborn genetic diseases. Last evaluated: 2025-04-20. Review status: criteria provided, single submitter. Criteria: Ambry Variant Classification Scheme 2023. Collection method: clinical testing. Allele origin: germline.

Labcorp Genetics (formerly Invitae), Labcorp
Classification: Uncertain significance. Last evaluated: 2025-02-10. Review status: criteria provided, single submitter. Criteria: Invitae Variant Classification Sherloc (09022015). Collection method: clinical testing. Allele origin: germline.
Comment: This sequence change replaces isoleucine, which is neutral and non-polar, with valine, which is neutral and non-polar, at codon 317 of the POLR3B protein (p.Ile317Val). This variant is present in population databases (rs376426432, gnomAD 0.009%). This variant has not been reported in the literature in individuals affected with POLR3B-related conditions. ClinVar contains an entry for this variant (Variation ID: 1444981). Invitae Evidence Modeling of protein sequence and biophysical properties (such as structural, functional, and spatial information, amino acid conservation, physicochemical variation, residue mobility, and thermodynamic stability) indicates that this missense variant is not expected to disrupt POLR3B protein function with a negative predictive value of 80%. In summary, the available evidence is currently insufficient to determine the role of this variant in disease. Therefore, it has been classified as a Variant of Uncertain Significance.

NM_018082.6(POLR3B):c.949A>G (p.Ile317Val)

Gene: POLR3B (RNA polymerase III subunit B; plus strand). Cytogenetic location: 12q23.3.
Variant type: single nucleotide variant.
Coding change: c.949A>G on transcript NM_018082.6 (MANE Select); coding-DNA position 949, A replaced by G.
Protein change: p.Ile317Val; replaces isoleucine 317 with valine.
Molecular consequence: missense variant.
Genome position (GRCh38, 1-based): chr12:106,405,959, A>G. VCF-style: chr12-106405959-A-G. GRCh37 (hg19) VCF-style: chr12-106799737-A-G.
Other names: c.775A>G, p.Ile259Val (NM_001160708.2); c.949A>G (NM_018082.5); short protein forms I259V, I317V.
Identifiers: ClinVar variation 1444981 (VCV001444981.7), dbSNP rs376426432, ClinGen allele CA6761821.